The following is an entry in ClinVar:

NM_012282.4(KCNE5):c.231C>T (p.Leu77=)

Gene: KCNE5 (potassium voltage-gated channel subfamily E regulatory subunit 5; minus strand). Cytogenetic location: Xq23.
Variant type: single nucleotide variant.
Coding change: c.231C>T on transcript NM_012282.4 (MANE Select); coding-DNA position 231, C replaced by T.
Protein change: p.Leu77=; no amino-acid change (leucine 77 retained).
Molecular consequence: synonymous variant.
Genome position (GRCh38, 1-based): chrX:109,624,790, G>A on the plus strand (C>T on the coding strand, the complement: KCNE5 is on the minus strand). VCF-style: chrX-109624790-G-A. GRCh37 (hg19) VCF-style: chrX-108868019-G-A.
Identifiers: ClinVar variation 4730768 (VCV004730768.1).

ClinVar aggregate classification (germline): Uncertain significance (1 of 4 stars; one submission).

Conditions:
Brugada syndrome. Also called: Sudden Unexplained Death Syndrome; Sudden Unexplained Nocturnal Death Syndrome (SUNDS); Sudden unexpected nocturnal death syndrome; Sudden unexplained nocturnal death syndrome. Identifiers: Orphanet 130, MedGen C1142166, MONDO:0015263.

gnomAD v4.1: 1 of 1,211,068 alleles (0.000083%); highest among the groups gnomAD compares: Non-Finnish European, 0.00011%; no homozygotes.

Submission:

Labcorp Genetics (formerly Invitae), Labcorp
Classification: Uncertain significance for Brugada syndrome. Last evaluated: 2025-11-09. Review status: criteria provided, single submitter. Criteria: Invitae Variant Classification Sherloc (09022015). Collection method: clinical testing. Allele origin: germline.
Comment: This sequence change affects codon 77 of the KCNE5 mRNA. It is a 'silent' change, meaning that it does not change the encoded amino acid sequence of the KCNE5 protein. This variant is not present in population databases (gnomAD no frequency). This variant has not been reported in the literature in individuals affected with KCNE5-related conditions. In summary, the available evidence is currently insufficient to determine the role of this variant in disease. Therefore, it has been classified as a Variant of Uncertain Significance.